The following is an entry in ClinVar:

NM_015335.5(MED13L):c.5929G>A (p.Ala1977Thr)

Gene: MED13L (mediator complex subunit 13L; minus strand). Cytogenetic location: 12q24.21.
Variant type: single nucleotide variant.
Coding change: c.5929G>A on transcript NM_015335.5 (MANE Select); coding-DNA position 5929, G replaced by A.
Protein change: p.Ala1977Thr; replaces alanine 1977 with threonine.
Molecular consequence: missense variant.
Genome position (GRCh38, 1-based): chr12:115,970,732, C>T on the plus strand (G>A on the coding strand, the complement: MED13L is on the minus strand). VCF-style: chr12-115970732-C-T. GRCh37 (hg19) VCF-style: chr12-116408537-C-T.
Other names: short protein forms A1977T.
Identifiers: ClinVar variation 2756097 (VCV002756097.3), dbSNP rs1233644604, ClinGen allele CA386876540.

ClinVar aggregate classification (germline): Uncertain significance (1 of 4 stars; one submission).

Conditions:
Dextro-looped transposition of the great arteries. Also called: Dextrotransposition of the great arteries. Identifiers: Orphanet 860, MedGen C3531771, MONDO:0019443, OMIM 608808, HP:0031348.

Allele frequency attached by ClinVar (database versions not stated): TOPMed below 0.00001.

Submission:

Labcorp Genetics (formerly Invitae), Labcorp
Classification: Uncertain significance for Dextro-looped transposition of the great arteries. Last evaluated: 2025-09-02. Review status: criteria provided, single submitter. Criteria: Invitae Variant Classification Sherloc (09022015). Collection method: clinical testing. Allele origin: germline.
Comment: This sequence change replaces alanine, which is neutral and non-polar, with threonine, which is neutral and polar, at codon 1977 of the MED13L protein (p.Ala1977Thr). This variant is not present in population databases (gnomAD no frequency). This variant has not been reported in the literature in individuals affected with MED13L-related conditions. ClinVar contains an entry for this variant (Variation ID: 2756097). Invitae Evidence Modeling of protein sequence and biophysical properties (such as structural, functional, and spatial information, amino acid conservation, physicochemical variation, residue mobility, and thermodynamic stability) indicates that this missense variant is not expected to disrupt MED13L protein function with a negative predictive value of 80%. In summary, the available evidence is currently insufficient to determine the role of this variant in disease. Therefore, it has been classified as a Variant of Uncertain Significance.